The following is an entry in ClinVar:

ClinVar aggregate classification (germline): Conflicting classifications of pathogenicity. Review status: criteria provided, conflicting classifications (1 of 4 stars). 3 submissions from 3 submitters: Uncertain significance (2); Likely benign (1). Last evaluated 2026-10-16.

Conditions:
Autism spectrum disorder. Also called: Autism spectrum disorders. Identifiers: MedGen C1510586, MeSH D000067877, MONDO:0005258.
CHD3-related disorder. Also called: CHD3-related condition.

gnomAD v4.1: 1 of 1,611,886 alleles (0.000062%); highest among the groups gnomAD compares: Non-Finnish European, 0.000085%; no homozygotes.

Submissions (3):

GeneDx
Classification: Uncertain significance. Last evaluated: 2026-10-16. Review status: criteria provided, single submitter. Criteria: GeneDx Variant Classification Process June 2021. Collection method: clinical testing. Allele origin: germline.
Comment: Not observed at significant frequency in large population cohorts (gnomAD); In silico analysis supports that this missense variant has a deleterious effect on protein structure/function; Has not been previously published as pathogenic or benign to our knowledge; In silico analysis suggests this variant may impact gene splicing. In the absence of RNA/functional studies, the actual effect of this sequence change is unknown.

PreventionGenetics, part of Exact Sciences
Classification: Uncertain significance for CHD3-related condition. Last evaluated: 2023-01-31. Review status: criteria provided, single submitter. Criteria: ACMG Guidelines, 2015. Collection method: clinical testing. Allele origin: germline.
Comment: The CHD3 c.284A>T variant is predicted to result in the amino acid substitution p.Asp95Val. To our knowledge, this variant has not been reported in the literature or in a large population database, indicating this variant is rare. At this time, the clinical significance of this variant is uncertain due to the absence of conclusive functional and genetic evidence.

Department of Genetics, Rouen University Hospital, Normandy Center for Genomic and Personalized Medicine
Classification: Likely benign for Autism spectrum disorder. Last evaluated: 2021-02-17. Review status: criteria provided, single submitter. Criteria: ACMG Guidelines, 2015. Collection method: clinical testing. Allele origin: paternal. Affected: yes.

NM_001005273.3(CHD3):c.107A>T (p.Asp36Val)

Gene: CHD3 (chromodomain helicase DNA binding protein 3; plus strand). Cytogenetic location: 17p13.1.
Variant type: single nucleotide variant.
Coding change: c.107A>T on transcript NM_001005273.3 (MANE Select); coding-DNA position 107, A replaced by T.
Protein change: p.Asp36Val; replaces aspartic acid 36 with valine.
Molecular consequence: missense variant.
Genome position (GRCh38, 1-based): chr17:7,889,670, A>T. VCF-style: chr17-7889670-A-T. GRCh37 (hg19) VCF-style: chr17-7792988-A-T.
Other names: c.284A>T, p.Asp95Val (NM_001005271.3); c.107A>T, p.Asp36Val (NM_005852.4); short protein forms D36V, D95V.
Identifiers: ClinVar variation 2429975 (VCV002429975.5), dbSNP rs2544705900, ClinGen allele CA397934474.